The following is an entry in ClinVar:

ClinVar aggregate classification (germline): Pathogenic (1 of 4 stars; one submission).

Submission:

Labcorp Genetics (formerly Invitae), Labcorp
Classification: Pathogenic. Last evaluated: 2022-10-25. Review status: criteria provided, single submitter. Criteria: Invitae Variant Classification Sherloc (09022015). Collection method: clinical testing. Allele origin: germline.
Comment: For these reasons, this variant has been classified as Pathogenic. This variant has not been reported in the literature in individuals affected with LRP5-related conditions. This variant is a gross deletion of the genomic region encompassing exon(s) 8 of the LRP5 gene. This deletion is out-of-frame, and is expected to create a premature termination codon and result in an absent or disrupted protein product. Loss-of-function variants in LRP5 are known to be pathogenic (PMID: 11719191, 16252235, 25711638).

Literature cited by the submitters: PubMed 11719191; PubMed 16252235; PubMed 25711638.

NC_000011.9:g.(?_68170931)_(68171187_?)del

Gene: LRP5 (LDL receptor related protein 5; plus strand). Cytogenetic location: 11q13.2.
Variant type: Deletion.
Identifiers: ClinVar variation 1442774 (VCV001442774.5).